The following is an entry in ClinVar:

ClinVar aggregate classification (germline): Likely benign (1 of 4 stars; one submission).

Allele frequency attached by ClinVar (database versions not stated): ExAC 0.00001; gnomAD 0.00001; gnomAD exomes 0.00002; TOPMed 0.00003; ESP Exome Variant Server 0.00008.
gnomAD v4.1: 29 of 1,614,104 alleles (0.0018%); highest among the groups gnomAD compares: Non-Finnish European, 0.0025%; no homozygotes.

Submission:

CeGaT Center for Human Genetics Tuebingen
Classification: Likely benign. Last evaluated: 2024-02-01. Review status: criteria provided, single submitter. Criteria: CeGaT Center For Human Genetics Tuebingen Variant Classification Criteria Version 2. Collection method: clinical testing. Allele origin: germline. Affected: yes. Observed: 1 variant allele.
Comment: CNTNAP1: BP4, BP7

NM_003632.3(CNTNAP1):c.3267C>T (p.Ser1089=)

Gene: CNTNAP1 (contactin associated protein 1; plus strand). Cytogenetic location: 17q21.2.
Variant type: single nucleotide variant.
Coding change: c.3267C>T on transcript NM_003632.3 (MANE Select); coding-DNA position 3267, C replaced by T.
Protein change: p.Ser1089=; no amino-acid change (serine 1089 retained).
Molecular consequence: synonymous variant.
Genome position (GRCh38, 1-based): chr17:42,695,795, C>T. VCF-style: chr17-42695795-C-T. GRCh37 (hg19) VCF-style: chr17-40847813-C-T.
Identifiers: ClinVar variation 3025963 (VCV003025963.22), dbSNP rs369832276, ClinGen allele CA8582272.
Genomic context (GRCh38, chr17:42,695,795, plus strand): 5'-GCCCGGTTACCGTGGGCCTGTCTACAACGTTACGGGAGAGGAGGTCTCCTTCAGCTTCAG[C>T]ACCAGCTCCGCCCCTGCTGTCCTGCTCTACGTCAGTTCCTTTGTTCGTGACTACATGGCT-3'
Protein context (NP_003623.1, residues 1079-1099): VTGEEVSFSF[Ser1089=]TSSAPAVLLY